The following is an entry in ClinVar:

NM_001360016.2(G6PD):c.*272G>A

Gene: G6PD (glucose-6-phosphate dehydrogenase; minus strand). Cytogenetic location: Xq28.
Variant type: single nucleotide variant.
Coding change: c.*272G>A on transcript NM_001360016.2 (MANE Select); 272 bases downstream of the stop codon, G replaced by A.
Molecular consequence: 3 prime UTR variant.
Genome position (GRCh38, 1-based): chrX:154,531,728, C>T on the plus strand (G>A on the coding strand, the complement: G6PD is on the minus strand). VCF-style: chrX-154531728-C-T. GRCh37 (hg19) VCF-style: chrX-153759943-C-T.
Other names: c.*272G>A (NM_000402.4, NM_001042351.3).
Identifiers: ClinVar variation 1722666 (VCV001722666.2), dbSNP rs112950723, ClinGen allele CA337315406.

ClinVar aggregate classification (germline): Likely benign (1 of 4 stars; one submission).

Conditions:
Anemia, nonspherocytic hemolytic, due to G6PD deficiency (CNSHA1). Also called: Hemolytic anemia due to G6PD deficiency; Class I glucose-6-phosphate dehydrogenase deficiency; Favism, susceptibility to; ANEMIA, CONGENITAL, NONSPHEROCYTIC HEMOLYTIC, 1. Identifiers: Orphanet 466026, MedGen C2720289, MONDO:0010480, OMIM 300908.

Allele frequency attached by ClinVar (database versions not stated): gnomAD exomes below 0.00001.
gnomAD v4.1: 1 of 426,778 alleles (0.00023%); highest among the groups gnomAD compares: East Asian, 0.004%; no homozygotes.

Submission:

Dunham Lab, University of Washington
Classification: Likely benign for Anemia, nonspherocytic hemolytic, due to G6PD deficiency. Last evaluated: 2022-08-12. Review status: criteria provided, single submitter. Criteria: Bayesian ACMG Guidelines, 2018. Collection method: curation. Allele origin: unknown. Affected: no.
Comment: Not predicted to alter mRNA folding or miRNA target sites (BP4). Only occurances in individuals with deficiency have other SNVs that were found alone to contribute to deficiency (BP5). Post_P 0.025 (odds of pathogenicity 0.231, Prior_P 0.1).

Literature cited by the submitters: PubMed 23389243.